The following is an entry in ClinVar:

NM_177438.3(DICER1):c.3276T>A (p.Pro1092=)

Gene: DICER1 (dicer 1, ribonuclease III; minus strand). Cytogenetic location: 14q32.13.
Variant type: single nucleotide variant.
Coding change: c.3276T>A on transcript NM_177438.3 (MANE Select); coding-DNA position 3276, T replaced by A.
Protein change: p.Pro1092=; no amino-acid change (proline 1092 retained).
Molecular consequence: synonymous variant.
Genome position (GRCh38, 1-based): chr14:95,104,120, A>T on the plus strand (T>A on the coding strand, the complement: DICER1 is on the minus strand). VCF-style: chr14-95104120-A-T. GRCh37 (hg19) VCF-style: chr14-95570457-A-T.
Other names: c.3276T>A, p.Pro1092= (NM_001195573.1, NM_001271282.3, NM_001291628.2 and 1 more transcripts).
Identifiers: ClinVar variation 479615 (VCV000479615.19), dbSNP rs1422876107, ClinGen allele CA487844806.

ClinVar aggregate classification (germline): Conflicting classifications of pathogenicity. Review status: criteria provided, conflicting classifications (1 of 4 stars). 4 submissions from 4 submitters: Uncertain significance (1); Benign (1); Likely benign (2). Last evaluated 2026-04-17.

Conditions:
Hereditary cancer-predisposing syndrome. Also called: Hereditary neoplastic syndrome; Neoplastic Syndromes, Hereditary; Hereditary Cancer Syndrome; Tumor predisposition. Identifiers: Orphanet 140162, MedGen C0027672, MeSH D009386, MONDO:0015356.
DICER1-related tumor predisposition. Also called: DICER1-related pleuropulmonary blastoma cancer predisposition syndrome; DICER1 syndrome. Identifiers: Orphanet 284343, MedGen C3839822, MONDO:0100216.

Allele frequency attached by ClinVar (database versions not stated): TOPMed 0.00001; gnomAD exomes 0.00002.
gnomAD v4.1: 22 of 1,611,656 alleles (0.0014%); highest among the groups gnomAD compares: Non-Finnish European, 0.0019%; no homozygotes.

Submissions (4):

Myriad Genetics, Inc.
Classification: Benign for DICER1-related tumor predisposition. Last evaluated: 2026-04-17. Review status: criteria provided, single submitter. Criteria: Myriad Autosomal Dominant, Autosomal Recessive and X-Linked Classification Criteria (2023). Collection method: clinical testing. Allele origin: unknown.
Comment: This variant is considered benign. This variant is a silent/synonymous amino acid change and it is not expected to impact splicing.

Labcorp Genetics (formerly Invitae), Labcorp
Classification: Likely benign for DICER1-related tumor predisposition. Last evaluated: 2025-12-10. Review status: criteria provided, single submitter. Criteria: Invitae Variant Classification Sherloc (09022015). Collection method: clinical testing. Allele origin: germline.

Quest Diagnostics Nichols Institute San Juan Capistrano
Classification: Uncertain significance. Last evaluated: 2024-11-10. Review status: criteria provided, single submitter. Criteria: Quest Diagnostics criteria. Collection method: clinical testing. Allele origin: unknown.
Comment: The DICER1 c.3276T>A (p.Pro1092=) synonymous variant has not been reported in individuals with DICER1-related conditions in the published literature. It also has not been reported in large, multi-ethnic general populations (Genome Aggregation Database). Analysis of this variant using software algorithms for the prediction of the effect of nucleotide changes on splicing yielded predictions that this variant does not affect DICER1 mRNA splicing. Based on the available information, we are unable to determine the clinical significance of this variant.

Ambry Genetics
Classification: Likely benign for Hereditary cancer-predisposing syndrome. Last evaluated: 2017-10-06. Review status: criteria provided, single submitter. Criteria: Ambry Variant Classification Scheme 2023. Collection method: clinical testing. Allele origin: germline.